The following is an entry in ClinVar:

NM_001379291.1(BRD4):c.3097C>T (p.Pro1033Ser)

Gene: BRD4 (bromodomain containing 4; minus strand). Cytogenetic location: 19p13.12.
Variant type: single nucleotide variant.
Coding change: c.3097C>T on transcript NM_001379291.1 (MANE Select); coding-DNA position 3097, C replaced by T.
Protein change: p.Pro1033Ser; replaces proline 1033 with serine.
Molecular consequence: missense variant.
Genome position (GRCh38, 1-based): chr19:15,242,972, G>A on the plus strand (C>T on the coding strand, the complement: BRD4 is on the minus strand). VCF-style: chr19-15242972-G-A. GRCh37 (hg19) VCF-style: chr19-15353783-G-A.
Other names: c.3097C>T, p.Pro1033Ser (NM_058243.3); short protein forms P1033S.
Identifiers: ClinVar variation 4767090 (VCV004767090.1).
Genomic context (GRCh38, chr19:15,242,972, plus strand): 5'-GGTCCGACTTGTGGTGCCGGGGTGAATGGTGGTGCTGGATGACTTGCTGAGGCTTGGCAG[G>A]CTGCGGCGGGGGTGGCTGCTGGCCTGGGGGCGGATGGGGGGGCTGCTGGCCCTGGGGTGG-3'
Protein context (NP_001366220.1, residues 1023-1043): PPGQQPPPPQ[Pro1033Ser]AKPQQVIQHH

ClinVar aggregate classification (germline): Uncertain significance (1 of 4 stars; one submission).

gnomAD v4.1: 1 of 1,593,704 alleles (0.000063%); highest among the groups gnomAD compares: Non-Finnish European, 0.000085%; no homozygotes.

Submission:

Labcorp Genetics (formerly Invitae), Labcorp
Classification: Uncertain significance. Last evaluated: 2025-11-23. Review status: criteria provided, single submitter. Criteria: Invitae Variant Classification Sherloc (09022015). Collection method: clinical testing. Allele origin: germline.
Comment: This sequence change replaces proline, which is neutral and non-polar, with serine, which is neutral and polar, at codon 1033 of the BRD4 protein (p.Pro1033Ser). The frequency data for this variant in the population databases is considered unreliable, as metrics indicate poor data quality at this position in the gnomAD database. This variant has not been reported in the literature in individuals affected with BRD4-related conditions. An algorithm developed to predict the effect of missense changes on protein structure and function (PolyPhen-2) suggests that this variant is likely to be disruptive. In summary, the available evidence is currently insufficient to determine the role of this variant in disease. Therefore, it has been classified as a Variant of Uncertain Significance.